The following is an entry in ClinVar:

NC_000022.10:g.(50500087_50502462)_(50524359_?)dup

Gene: MLC1 (modulator of VRAC current 1; minus strand). Cytogenetic location: 22q13.33.
Variant type: Duplication.
Identifiers: ClinVar variation 1705231 (VCV001705231.1).

ClinVar aggregate classification (germline): Uncertain significance (1 of 4 stars; one submission).

Submission:

Women's Health and Genetics/Laboratory Corporation of America, LabCorp
Classification: Uncertain significance. Last evaluated: 2022-08-03. Review status: criteria provided, single submitter. Criteria: LabCorp Variant Classification Summary - May 2015. Collection method: clinical testing. Allele origin: germline.
Comment: Variant summary: The variant identified by MLPA or other technology involves the duplication of exons 1-11 in the MLC1 gene. A presumed nomenclature of c.(?_-635)_(1059+1_1060-1)dup has been designated for the purposes of this classification. It has been assumed that this is a tandem duplication in direct orientation (Richardson_GIM_2018, Newman_AJHG_2015). Since the exact breakpoints of this duplication are not known, it is not possible to predict if it causes an in-frame or an out-of-frame product. The variant was absent in 21694 control chromosomes (gnomAD SVs, Structural Variants dataset). The available data on variant occurrences in the general population are insufficient to allow any conclusion about variant significance. To our knowledge, no occurrence of c.(?_-635)_(1059+1_1060-1)dup in individuals affected with Megalencephalic Leukoencephalopathy With Subcortical Cysts 1 and no experimental evidence demonstrating its impact on protein function have been reported. No clinical diagnostic laboratories have submitted clinical-significance assessments for this variant to ClinVar after 2014. Based on the evidence outlined above, the variant was classified as uncertain significance.